The following is an entry in ClinVar:

NM_005422.4(TECTA):c.4177C>T (p.Arg1393Cys)

Genes: TBCEL-TECTA (TBCEL-TECTA readthrough; plus strand), TECTA (tectorin alpha; plus strand). Cytogenetic location: 11q23.3.
Variant type: single nucleotide variant.
Coding change: c.4177C>T on transcript NM_005422.4 (MANE Select); coding-DNA position 4177, C replaced by T.
Protein change: p.Arg1393Cys; replaces arginine 1393 with cysteine.
Molecular consequence: missense variant.
Genome position (GRCh38, 1-based): chr11:121,152,952, C>T. VCF-style: chr11-121152952-C-T. GRCh37 (hg19) VCF-style: chr11-121023661-C-T.
Other names: c.5134C>T, p.Arg1712Cys (NM_001378761.1); short protein forms R1393C, R1712C.
Identifiers: ClinVar variation 2883008 (VCV002883008.3), dbSNP rs746773924, ClinGen allele CA6327381.
Genomic context (GRCh38, chr11:121,152,952, plus strand): 5'-CCTCCAAACAGCCATTACGAGAGCTGCGTGAGTGTCTGCCAGCCCCGCTGCGCCGCCATC[C>T]GCCTGAAGAGTGACTGCAGCCACTACTGCGTGGAGGGCTGTCACTGCGACGCTGGCTACG-3'
Protein context (NP_005413.2, residues 1383-1403): SVCQPRCAAI[Arg1393Cys]LKSDCSHYCV

ClinVar aggregate classification (germline): Uncertain significance (1 of 4 stars; one submission).

Allele frequency attached by ClinVar (database versions not stated): ExAC 0.00001; gnomAD 0.00001; gnomAD exomes 0.00001; TOPMed 0.00001.
gnomAD v4.1: 20 of 1,613,512 alleles (0.0012%); highest among the groups gnomAD compares: South Asian, 0.0033%; no homozygotes.

Submission:

Labcorp Genetics (formerly Invitae), Labcorp
Classification: Uncertain significance. Last evaluated: 2023-12-01. Review status: criteria provided, single submitter. Criteria: Invitae Variant Classification Sherloc (09022015). Collection method: clinical testing. Allele origin: germline.
Comment: This sequence change replaces arginine, which is basic and polar, with cysteine, which is neutral and slightly polar, at codon 1393 of the TECTA protein (p.Arg1393Cys). This variant is present in population databases (rs746773924, gnomAD 0.006%). This variant has not been reported in the literature in individuals affected with TECTA-related conditions. Advanced modeling of protein sequence and biophysical properties (such as structural, functional, and spatial information, amino acid conservation, physicochemical variation, residue mobility, and thermodynamic stability) performed at Invitae indicates that this missense variant is not expected to disrupt TECTA protein function with a negative predictive value of 95%. In summary, the available evidence is currently insufficient to determine the role of this variant in disease. Therefore, it has been classified as a Variant of Uncertain Significance.